The following is an entry in ClinVar:

ClinVar aggregate classification (germline): Likely benign. Review status: criteria provided, multiple submitters, no conflicts (2 of 4 stars). 3 submissions from 3 submitters: Likely benign (2). 1 of the submissions does not count toward it. Last evaluated 2025-12-08.

Conditions:
DTNA-related disorder. Also called: DTNA-related condition.
Left ventricular noncompaction 1 (LVNC1). Also called: LEFT VENTRICULAR NONCOMPACTION 1 WITH OR WITHOUT CONGENITAL HEART DEFECTS. Identifiers: Orphanet 54260, MedGen C1858725, MONDO:0011403, OMIM 604169.

Allele frequency attached by ClinVar (database versions not stated): TOPMed 0.00003.
gnomAD v4.1: 66 of 1,613,918 alleles (0.0041%); highest among the groups gnomAD compares: Middle Eastern, 0.049%; no homozygotes.

Submissions (3):

Labcorp Genetics (formerly Invitae), Labcorp
Classification: Likely benign for Left ventricular noncompaction 1. Last evaluated: 2025-12-08. Review status: criteria provided, single submitter. Criteria: Invitae Variant Classification Sherloc (09022015). Collection method: clinical testing. Allele origin: germline.

GeneDx
Classification: Likely benign. Last evaluated: 2019-10-02. Review status: criteria provided, single submitter. Criteria: GeneDx Variant Classification Process June 2021. Collection method: clinical testing. Allele origin: germline. Affected: yes.

PreventionGenetics, part of Exact Sciences
Classification: Likely benign for DTNA-related condition. Last evaluated: 2024-06-25. Review status: no assertion criteria provided. Collection method: clinical testing. Allele origin: germline. Not counted in ClinVar's aggregate classification.
Comment: This variant is classified as likely benign based on ACMG/AMP sequence variant interpretation guidelines (Richards et al. 2015 PMID: 25741868, with internal and published modifications).

NM_001386795.1(DTNA):c.537G>A (p.Thr179=)

Gene: DTNA (dystrobrevin alpha; plus strand). Cytogenetic location: 18q12.1.
Variant type: single nucleotide variant.
Coding change: c.537G>A on transcript NM_001386795.1 (MANE Select); coding-DNA position 537, G replaced by A.
Protein change: p.Thr179=; no amino-acid change (threonine 179 retained).
Molecular consequence: synonymous variant.
Genome position (GRCh38, 1-based): chr18:34,812,047, G>A. VCF-style: chr18-34812047-G-A. GRCh37 (hg19) VCF-style: chr18-32392011-G-A.
Other names: c.537G>A, p.Thr179= (NM_001128175.2, NM_001198938.2, NM_001198939.2 and 35 more transcripts).
Identifiers: ClinVar variation 389895 (VCV000389895.12), dbSNP rs11877640, ClinGen allele CA8935402.
Genomic context (GRCh38, chr18:34,812,047, plus strand): 5'-TGGGGTGATGGTTTATGGACGATATGACCAATTCCTTCGGGAAGTTCTCAAACTACCCAC[G>A]GCAGTTTTTGAAGGTCCTTCATTTGGTTACACAGAACAGTCAGCCAGATCCTGTTTCTCC-3'
Protein context (NP_001373724.1, residues 169-189): QFLREVLKLP[Thr179=]AVFEGPSFGY